The following is an entry in ClinVar:

NM_022902.5(SLC30A5):c.832_836del (p.Ile278fs)

Gene: SLC30A5 (solute carrier family 30 member 5; plus strand). Cytogenetic location: 5q13.2.
Variant type: Deletion.
Coding change: c.832_836del on transcript NM_022902.5 (MANE Select); coding-DNA positions 832 to 836, 5 bases deleted (ATCTT; older notation c.832_836delATCTT).
Protein change: p.Ile278fs; shifts the reading frame from isoleucine 278.
Molecular consequence: frameshift variant.
Genome position (GRCh38, 1-based): chr5:69,115,974-69,115,978, ATCTT deleted; deleting any 5 consecutive bases within chr5:69,115,972-69,115,978 gives the same sequence; the c. name uses the placement nearest the transcript's 3' end. VCF-style (leftmost placement, unchanged base first): chr5-69115971-GTTATC-G. GRCh37 (hg19) VCF-style: chr5-68411798-GTTATC-G.
Other names: short protein forms I278fs.
Identifiers: ClinVar variation 976212 (VCV000976212.4), dbSNP rs1746359403, ClinGen allele CA1139658873.

ClinVar aggregate classification (germline): Likely pathogenic (1 of 4 stars; one submission).

Conditions:
Hypertrophic cardiomyopathy. Also called: HYPERTROPHIC MYOCARDIOPATHY. Identifiers: Orphanet 217569, MedGen C0007194, MeSH D002312, MONDO:0005045, HP:0001639.
Noncompaction cardiomyopathy. Identifiers: MedGen C1839832, HP:0012817.
Concentric hypertrophic cardiomyopathy. Identifiers: MedGen C0238044, HP:0005157.
Hydrops fetalis. Identifiers: Orphanet 1041, MedGen C0020305, MONDO:0015193, HP:0001789.

Submission:

Institute of Human Genetics, University of Leipzig Medical Center
Classification: Likely pathogenic for Hypertrophic cardiomyopathy; Hydrops fetalis; Concentric hypertrophic cardiomyopathy; Noncompaction cardiomyopathy. Last evaluated: 2020-01-29. Review status: criteria provided, single submitter. Criteria: ACMG Guidelines, 2015. Collection method: research. Allele origin: inherited. Affected: yes.
Comment: Variant found homozygous in three siblings with similar phenotype

Literature cited by the submitters: PubMed 33547425.